The following is an entry in ClinVar:

NM_153240.5(NPHP3):c.3813-10T>C

Genes: NPHP3 (nephrocystin 3; minus strand), NPHP3-ACAD11 (NPHP3-ACAD11 readthrough (NMD candidate); minus strand). Cytogenetic location: 3q22.1.
Variant type: single nucleotide variant.
Coding change: c.3813-10T>C on transcript NM_153240.5 (MANE Select); 10 bases into the intron before coding-DNA position 3813, T replaced by C.
Molecular consequence: intron variant.
Genome position (GRCh38, 1-based): chr3:132,682,100, A>G on the plus strand (T>C on the coding strand, the complement: NPHP3 is on the minus strand). VCF-style: chr3-132682100-A-G. GRCh37 (hg19) VCF-style: chr3-132400944-A-G.
Other names: c.3813-10T>C (NM_153240.4).
Identifiers: ClinVar variation 1164133 (VCV001164133.13), dbSNP rs372263313, ClinGen allele CA2621622.

ClinVar aggregate classification (germline): Benign/Likely benign. Review status: criteria provided, multiple submitters, no conflicts (2 of 4 stars). 4 submissions from 4 submitters: Benign (1); Likely benign (2). 1 of the submissions does not count toward it. Last evaluated 2025-12-23.

Conditions:
Renal-hepatic-pancreatic dysplasia 1 (RHPD1). Identifiers: MedGen C3715199, MONDO:0008833, OMIM 208540.
Nephronophthisis 3 (NPHP3). Also called: Adolescent nephronophthisis. Identifiers: Orphanet 655, MedGen C1858392, MONDO:0011456, OMIM 604387.
NPHP3-related Meckel-like syndrome. Also called: GOLDSTON SYNDROME; Meckel syndrome type 7. Identifiers: Orphanet 3032, MedGen C2673885, MONDO:0009966, OMIM 267010.
NPHP3-related disorder. Also called: NPHP3-related disorders; NPHP3-related condition. Identifiers: MedGen CN379163.
Nephronophthisis. Also called: Juvenile Nephronophthisis. Identifiers: Orphanet 655, MedGen C0687120, MONDO:0019005, HP:0000090.

Allele frequency attached by ClinVar (database versions not stated): gnomAD 0.00002 and 0.00004; gnomAD exomes 0.00004 and 0.00011; ESP Exome Variant Server 0.00008; TOPMed 0.00008; ExAC 0.00012.
gnomAD v4.1: 73 of 1,611,724 alleles (0.0045%); highest among the groups gnomAD compares: Non-Finnish European, 0.00051%; no homozygotes.

Submissions (4):

Labcorp Genetics (formerly Invitae), Labcorp
Classification: Benign for Nephronophthisis. Last evaluated: 2025-12-23. Review status: criteria provided, single submitter. Criteria: Invitae Variant Classification Sherloc (09022015). Collection method: clinical testing. Allele origin: germline.

Blueprint Genetics
Classification: Likely benign. Last evaluated: 2021-10-13. Review status: criteria provided, single submitter. Criteria: ACMG Guidelines, 2015. Collection method: clinical testing. Allele origin: germline.

Fulgent Genetics
Classification: Likely benign for Renal-hepatic-pancreatic dysplasia 1; NPHP3-related Meckel-like syndrome; Nephronophthisis 3. Last evaluated: 2021-07-27. Review status: criteria provided, single submitter. Criteria: ACMG Guidelines, 2015. Collection method: clinical testing. Allele origin: unknown.

PreventionGenetics, part of Exact Sciences
Classification: Likely benign for NPHP3-related condition. Last evaluated: 2024-01-05. Review status: no assertion criteria provided. Collection method: clinical testing. Allele origin: germline. Not counted in ClinVar's aggregate classification.
Comment: This variant is classified as likely benign based on ACMG/AMP sequence variant interpretation guidelines (Richards et al. 2015 PMID: 25741868, with internal and published modifications).